The following is an entry in ClinVar:

ClinVar aggregate classification (germline): Uncertain significance. Review status: criteria provided, multiple submitters, no conflicts (2 of 4 stars). 2 submissions from 2 submitters: Uncertain significance (2). Last evaluated 2025-07-14.

Conditions:
Early-infantile DEE. Also called: Early infantile epileptic encephalopathy with suppression bursts; Ohtahara syndrome; Early infantile epileptic encephalopathy. Identifiers: Orphanet 1934, MedGen C0393706, MONDO:0800491.

Allele frequency attached by ClinVar (database versions not stated): ExAC 0.00001; gnomAD 0.00001; gnomAD exomes 0.00001; TOPMed 0.00002.
gnomAD v4.1: 11 of 1,613,750 alleles (0.00068%); highest among the groups gnomAD compares: African/African-American, 0.004%; no homozygotes.

Submissions (2):

Labcorp Genetics (formerly Invitae), Labcorp
Classification: Uncertain significance for Early-infantile DEE. Last evaluated: 2025-07-14. Review status: criteria provided, single submitter. Criteria: Invitae Variant Classification Sherloc (09022015). Collection method: clinical testing. Allele origin: germline.
Comment: This sequence change replaces valine, which is neutral and non-polar, with methionine, which is neutral and non-polar, at codon 139 of the KCNQ2 protein (p.Val139Met). This variant is present in population databases (rs773083197, gnomAD 0.003%). This variant has not been reported in the literature in individuals affected with KCNQ2-related conditions. ClinVar contains an entry for this variant (Variation ID: 450575). Invitae Evidence Modeling of protein sequence and biophysical properties (such as structural, functional, and spatial information, amino acid conservation, physicochemical variation, residue mobility, and thermodynamic stability) indicates that this missense variant is expected to disrupt KCNQ2 protein function with a positive predictive value of 95%. In summary, the available evidence is currently insufficient to determine the role of this variant in disease. Therefore, it has been classified as a Variant of Uncertain Significance.

GeneDx
Classification: Uncertain significance. Last evaluated: 2017-07-19. Review status: criteria provided, single submitter. Criteria: GeneDx Variant Classification (06012015). Collection method: clinical testing. Allele origin: germline. Affected: yes.
Comment: The V139M variant in the KCNQ2 gene has not been reported previously as a pathogenic variant, nor as a benign variant, to our knowledge. The V139M variant is not observed at a significant frequency in large population cohorts (Lek et al., 2016; 1000 Genomes Consortium et al., 2015; Exome Variant Server). The V139M variant is a conservative amino acid substitution, which is not likely to impact secondary protein structure as these residues share similar properties. This substitution occurs at a position that is conserved across species and is predicted to be within the transmembrane segment S2, but in silico analysis is inconsistent in its predictions as to whether or not the variant is damaging to the protein structure/function. We interpret V139M as a variant of uncertain significance.

NM_172107.4(KCNQ2):c.415G>A (p.Val139Met)

Gene: KCNQ2 (potassium voltage-gated channel subfamily Q member 2; minus strand). Cytogenetic location: 20q13.33.
Variant type: single nucleotide variant.
Coding change: c.415G>A on transcript NM_172107.4 (MANE Select); coding-DNA position 415, G replaced by A.
Protein change: p.Val139Met; replaces valine 139 with methionine.
Molecular consequence: missense variant.
Genome position (GRCh38, 1-based): chr20:63,445,337, C>T on the plus strand (G>A on the coding strand, the complement: KCNQ2 is on the minus strand). VCF-style: chr20-63445337-C-T. GRCh37 (hg19) VCF-style: chr20-62076690-C-T.
Other names: c.415G>A, p.Val139Met (NM_004518.6, NM_172106.3, NM_172108.5 and 1 more transcripts); short protein forms V139M.
Identifiers: ClinVar variation 450575 (VCV000450575.6), dbSNP rs773083197, ClinGen allele CA9958821.